The following is an entry in ClinVar:

NM_000562.3(C8A):c.1448T>A (p.Leu483Gln)

Gene: C8A (complement C8 alpha chain; plus strand). Cytogenetic location: 1p32.2.
Variant type: single nucleotide variant.
Coding change: c.1448T>A on transcript NM_000562.3 (MANE Select); coding-DNA position 1448, T replaced by A.
Protein change: p.Leu483Gln; replaces leucine 483 with glutamine.
Molecular consequence: missense variant.
Genome position (GRCh38, 1-based): chr1:56,912,470, T>A. VCF-style: chr1-56912470-T-A. GRCh37 (hg19) VCF-style: chr1-57378143-T-A.
Other names: short protein forms L483Q.
Identifiers: ClinVar variation 1469221 (VCV001469221.8), dbSNP rs1487190405, ClinGen allele CA340516210.

ClinVar aggregate classification (germline): Uncertain significance (1 of 4 stars; one submission).

Submission:

Labcorp Genetics (formerly Invitae), Labcorp
Classification: Uncertain significance. Last evaluated: 2022-03-03. Review status: criteria provided, single submitter. Criteria: Invitae Variant Classification Sherloc (09022015). Collection method: clinical testing. Allele origin: germline.
Comment: This variant is not present in population databases (gnomAD no frequency). This variant has not been reported in the literature in individuals affected with C8A-related conditions. Algorithms developed to predict the effect of missense changes on protein structure and function (SIFT, PolyPhen-2, Align-GVGD) all suggest that this variant is likely to be disruptive. In summary, the available evidence is currently insufficient to determine the role of this variant in disease. Therefore, it has been classified as a Variant of Uncertain Significance. This sequence change replaces leucine, which is neutral and non-polar, with glutamine, which is neutral and polar, at codon 483 of the C8A protein (p.Leu483Gln).